The following is an entry in ClinVar:

ClinVar aggregate classification (germline): Uncertain significance. Review status: criteria provided, multiple submitters, no conflicts (2 of 4 stars). 3 submissions from 3 submitters: Uncertain significance (3). Last evaluated 2024-12-09.

Conditions:
Inborn genetic diseases. Identifiers: MedGen C0950123, MeSH D030342.

Allele frequency attached by ClinVar (database versions not stated): ExAC 0.00001; gnomAD 0.00001; TOPMed 0.00001; gnomAD exomes 0.00002.
gnomAD v4.1: 31 of 1,614,084 alleles (0.0019%); highest among the groups gnomAD compares: Non-Finnish European, 0.0025%; no homozygotes.

Submissions (3):

Women's Health and Genetics/Laboratory Corporation of America, LabCorp
Classification: Uncertain significance. Last evaluated: 2024-12-09. Review status: criteria provided, single submitter. Criteria: LabCorp Variant Classification Summary - May 2015. Collection method: clinical testing. Allele origin: germline.
Comment: Variant summary: HPS5 c.2152G>A (p.Asp718Asn) results in a conservative amino acid change in the encoded protein sequence. Five of five in-silico tools predict a benign effect of the variant on protein function. The variant allele was found at a frequency of 8e-06 in 251342 control chromosomes. The available data on variant occurrences in the general population are insufficient to allow any conclusion about variant significance. To our knowledge, no occurrence of c.2152G>A in individuals affected with Hermansky-Pudlak Syndrome and no experimental evidence demonstrating its impact on protein function have been reported. ClinVar contains an entry for this variant (Variation ID: 2383611). Based on the evidence outlined above, the variant was classified as uncertain significance.

Labcorp Genetics (formerly Invitae), Labcorp
Classification: Uncertain significance. Last evaluated: 2024-09-23. Review status: criteria provided, single submitter. Criteria: Invitae Variant Classification Sherloc (09022015). Collection method: clinical testing. Allele origin: germline.
Comment: This sequence change replaces aspartic acid, which is acidic and polar, with asparagine, which is neutral and polar, at codon 718 of the HPS5 protein (p.Asp718Asn). This variant is present in population databases (rs755306193, gnomAD 0.002%). This variant has not been reported in the literature in individuals affected with HPS5-related conditions. ClinVar contains an entry for this variant (Variation ID: 2383611). An algorithm developed to predict the effect of missense changes on protein structure and function (PolyPhen-2) suggests that this variant¬†is likely to be tolerated. In summary, the available evidence is currently insufficient to determine the role of this variant in disease. Therefore, it has been classified as a Variant of Uncertain Significance.

Ambry Genetics
Classification: Uncertain significance for Inborn genetic diseases. Last evaluated: 2021-10-29. Review status: criteria provided, single submitter. Criteria: Ambry Variant Classification Scheme 2023. Collection method: clinical testing. Allele origin: germline.

NM_181507.2(HPS5):c.2152G>A (p.Asp718Asn)

Gene: HPS5 (HPS5 biogenesis of lysosomal organelles complex 2 subunit 2; minus strand). Cytogenetic location: 11p15.1.
Variant type: single nucleotide variant.
Coding change: c.2152G>A on transcript NM_181507.2 (MANE Select); coding-DNA position 2152, G replaced by A.
Protein change: p.Asp718Asn; replaces aspartic acid 718 with asparagine.
Molecular consequence: missense variant.
Genome position (GRCh38, 1-based): chr11:18,291,730, C>T on the plus strand (G>A on the coding strand, the complement: HPS5 is on the minus strand). VCF-style: chr11-18291730-C-T. GRCh37 (hg19) VCF-style: chr11-18313277-C-T.
Other names: c.1810G>A, p.Asp604Asn (NM_007216.4, NM_181508.2); short protein forms D604N, D718N.
Identifiers: ClinVar variation 2383611 (VCV002383611.4), dbSNP rs755306193, ClinGen allele CA5909916.